The following is an entry in ClinVar:

ClinVar aggregate classification (germline): Likely benign. Review status: criteria provided, multiple submitters, no conflicts (2 of 4 stars). 3 submissions from 3 submitters: Likely benign (2). 1 of the submissions does not count toward it. Last evaluated 2026-06-01.

Conditions:
GABRB1-related disorder. Also called: GABRB1-related condition.

Allele frequency attached by ClinVar (database versions not stated): gnomAD exomes 0.00003 and 0.00012; ESP Exome Variant Server 0.00008; ExAC 0.00017; TOPMed 0.00042; gnomAD 0.00044 and 0.00046; 1000 Genomes Project 30x 0.00094; 1000 Genomes Project 0.00100.
gnomAD v4.1: 116 of 1,614,168 alleles (0.0072%); highest among the groups gnomAD compares: African/African-American, 0.14%; no homozygotes.

Submissions (3):

CeGaT Center for Human Genetics Tuebingen
Classification: Likely benign. Last evaluated: 2026-06-01. Review status: criteria provided, single submitter. Criteria: CeGaT Center For Human Genetics Tuebingen Variant Classification Criteria Version 2. Collection method: clinical testing. Allele origin: germline. Affected: yes. Observed: 1 variant allele.
Comment: GABRB1: BP4, BS2

Labcorp Genetics (formerly Invitae), Labcorp
Classification: Likely benign. Last evaluated: 2025-12-22. Review status: criteria provided, single submitter. Criteria: Invitae Variant Classification Sherloc (09022015). Collection method: clinical testing. Allele origin: germline.

PreventionGenetics, part of Exact Sciences
Classification: Likely benign for GABRB1-related condition. Last evaluated: 2023-04-14. Review status: no assertion criteria provided. Collection method: clinical testing. Allele origin: germline. Not counted in ClinVar's aggregate classification.
Comment: This variant is classified as likely benign based on ACMG/AMP sequence variant interpretation guidelines (Richards et al. 2015 PMID: 25741868, with internal and published modifications).

NM_000812.4(GABRB1):c.1277A>G (p.Lys426Arg)

Gene: GABRB1 (gamma-aminobutyric acid type A receptor subunit beta1; plus strand). Cytogenetic location: 4p12.
Variant type: single nucleotide variant.
Coding change: c.1277A>G on transcript NM_000812.4 (MANE Select); coding-DNA position 1277, A replaced by G.
Protein change: p.Lys426Arg; replaces lysine 426 with arginine.
Molecular consequence: missense variant.
Genome position (GRCh38, 1-based): chr4:47,425,870, A>G. VCF-style: chr4-47425870-A-G. GRCh37 (hg19) VCF-style: chr4-47427887-A-G.
Other names: c.1277A>G (NM_000812.3); short protein forms K426R.
Identifiers: ClinVar variation 1158070 (VCV001158070.13), dbSNP rs147587936, ClinGen allele CA2907798.